The following is an entry in ClinVar:

ClinVar aggregate classification (germline): Conflicting classifications of pathogenicity. Review status: criteria provided, conflicting classifications (1 of 4 stars). 5 submissions from 4 submitters: Uncertain significance (1); Benign (3); Likely benign (1). Last evaluated 2026-02-01.

Conditions:
Inborn genetic diseases. Identifiers: MedGen C0950123, MeSH D030342.
Supravalvar aortic stenosis (SVAS). Also called: Supravalvar aortic stenosis, Eisenberg type. Identifiers: Orphanet 3193, MedGen C0003499, MONDO:0008504, OMIM 185500, HP:0004381.
Cutis laxa, autosomal dominant 1 (ADCL1). Also called: ELN-Related Cutis Laxa. Identifiers: Orphanet 90348, MedGen C3276539, MONDO:0007411, OMIM 123700. Disease mechanism: Dominant Negative.

Allele frequency attached by ClinVar (database versions not stated): gnomAD 0.00048; TOPMed 0.00065; 1000 Genomes Project 0.00140; 1000 Genomes Project 30x 0.00172.

Submissions (5):

Labcorp Genetics (formerly Invitae), Labcorp
Classification: Benign for Supravalvar aortic stenosis. Last evaluated: 2026-02-01. Review status: criteria provided, single submitter. Criteria: Invitae Variant Classification Sherloc (09022015). Collection method: clinical testing. Allele origin: germline.

Blueprint Genetics
Classification: Likely benign. Last evaluated: 2024-04-23. Review status: criteria provided, single submitter. Criteria: ACMG Guidelines, 2015. Collection method: clinical testing. Allele origin: germline.

Ambry Genetics
Classification: Uncertain significance for Inborn genetic diseases. Last evaluated: 2023-05-10. Review status: criteria provided, single submitter. Criteria: Ambry Variant Classification Scheme 2023. Collection method: clinical testing. Allele origin: germline.

Illumina Laboratory Services, Illumina
Classification: Benign for Supravalvar aortic stenosis. Last evaluated: 2018-01-13. Review status: criteria provided, single submitter. Criteria: ICSL Variant Classification Criteria 13 December 2019. Collection method: clinical testing. Allele origin: germline.
Comment: This variant was observed in the ICSL laboratory as part of a predisposition screen in an ostensibly healthy population. It had not been previously curated by ICSL or reported in the Human Gene Mutation Database (HGMD: prior to June 1st, 2018), and was therefore a candidate for classification through an automated scoring system. Utilizing variant allele frequency, disease prevalence and penetrance estimates, and inheritance mode, an automated score was calculated to assess if this variant is too frequent to cause the disease. Based on the score and internal cut-off values, a variant classified as benign is not then subjected to further curation. The score for this variant resulted in a classification of benign for this disease.

Illumina Laboratory Services, Illumina
Classification: Benign for Cutis laxa, autosomal dominant 1. Last evaluated: 2018-01-13. Review status: criteria provided, single submitter. Criteria: ICSL Variant Classification Criteria 13 December 2019. Collection method: clinical testing. Allele origin: germline.
Comment: the same text as in the submission from Illumina Laboratory Services, Illumina above.

NM_000501.4(ELN):c.278C>T (p.Pro93Leu)

Gene: ELN (elastin; plus strand). Cytogenetic location: 7q11.23.
Variant type: single nucleotide variant.
Coding change: c.278C>T on transcript NM_000501.4 (MANE Select); coding-DNA position 278, C replaced by T.
Protein change: p.Pro93Leu; replaces proline 93 with leucine.
Molecular consequence: missense variant.
Genome position (GRCh38, 1-based): chr7:74,042,659, C>T. VCF-style: chr7-74042659-C-T. GRCh37 (hg19) VCF-style: chr7-73456989-C-T.
Other names: c.278C>T (NM_000501.2); c.248C>T, p.Pro83Leu (NM_001081752.3, NM_001278914.2, NM_001278917.2 and 1 more transcripts); c.278C>T, p.Pro93Leu (NM_001081753.3, NM_001081754.3, NM_001081755.3 and 4 more transcripts); c.242C>T, p.Pro81Leu (NM_001278913.2); short protein forms P83L, P93L, P81L.
Identifiers: ClinVar variation 698531 (VCV000698531.16), dbSNP rs181019457, ClinGen allele CA4292415.
Genomic context (GRCh38, chr7:74,042,659, plus strand): 5'-TCCTCCCCTCCGCAGGGCTCGGCGCCTTCCCCGCAGTTACCTTTCCGGGGGCTCTGGTGC[C>T]TGGTGGAGTGGCTGACGCTGCTGCAGCCTATAAAGCTGCTAAGGCTGGTGAGTGGTGCTC-3'
Protein context (NP_000492.2, residues 83-103): PAVTFPGALV[Pro93Leu]GGVADAAAAY